The following is an entry in ClinVar:

ClinVar aggregate classification (germline): Uncertain significance (1 of 4 stars; one submission).

Conditions:
Intellectual disability, autosomal recessive 53 (NEDHSCA). Also called: GLYCOSYLPHOSPHATIDYLINOSITOL BIOSYNTHESIS DEFECT 13; Mental retardation, autosomal recessive 53; NEURODEVELOPMENTAL DISORDER WITH OR WITHOUT HYPOTONIA, SEIZURES, AND CEREBELLAR ATROPHY. Identifiers: Orphanet 488635, MedGen C4310794, MONDO:0014832, OMIM 616917.

Submission:

Labcorp Genetics (formerly Invitae), Labcorp
Classification: Uncertain significance for Intellectual disability, autosomal recessive 53. Last evaluated: 2022-09-13. Review status: criteria provided, single submitter. Criteria: Invitae Variant Classification Sherloc (09022015). Collection method: clinical testing. Allele origin: germline.
Comment: This sequence change replaces methionine, which is neutral and non-polar, with leucine, which is neutral and non-polar, at codon 512 of the PIGG protein (p.Met512Leu). Information on the frequency of this variant in the gnomAD database is not available, as this variant may be reported differently in the database. This variant has not been reported in the literature in individuals affected with PIGG-related conditions. ClinVar contains an entry for this variant (Variation ID: 1416100). Experimental studies and prediction algorithms are not available or were not evaluated, and the functional significance of this variant is currently unknown. In summary, the available evidence is currently insufficient to determine the role of this variant in disease. Therefore, it has been classified as a Variant of Uncertain Significance.

NM_001127178.3(PIGG):c.1533_1534delinsTT (p.Met512Leu)

Gene: PIGG (phosphatidylinositol glycan anchor biosynthesis class G (EMM blood group); plus strand). Cytogenetic location: 4p16.3.
Variant type: Indel.
Coding change: c.1533_1534delinsTT on transcript NM_001127178.3 (MANE Select); coding-DNA positions 1533 to 1534, GA replaced by TT.
Protein change: p.Met512Leu; replaces methionine 512 with leucine.
Molecular consequence: missense variant. On other transcripts: 3 prime UTR variant (2), initiator codon variant (2), non-coding transcript variant (10).
Genome position (GRCh38, 1-based): chr4:521,860-521,861, GA replaced by TT. VCF-style: chr4-521860-GA-TT. GRCh37 (hg19) VCF-style: chr4-515649-GA-TT.
Other names: c.1266_1267delinsTT, p.Met423Leu (NM_001289051.2, NM_001289053.2, NM_001345986.2); c.1134_1135delinsTT, p.Met379Leu (NM_001289052.2); c.*95_*96delinsTT (NM_001289055.2); c.*148_*149delinsTT (NM_001289057.2); c.1242_1243delinsTT, p.Met415Leu (NM_001345987.2); c.504_505delinsTT, p.Met169Leu (NM_001345988.2); c.1533_1534delinsTT, p.Met512Leu (NM_001345989.2); c.-1_1delinsTT, p.Met1Leu (NM_001345990.2, NM_001345991.2); and 2 more; short protein forms M1L, M504L, M169L, M415L, M423L, M379L, M146L, M512L.
Identifiers: ClinVar variation 1416100 (VCV001416100.9), dbSNP rs2108949014, ClinGen allele CA2573137499.
Genomic context (GRCh38, chr4:521,860, plus strand): 5'-CACCTCAGCTGAAAGTTCGTGCTACTTCTGTGGCCTCTCGTGGCTGGCGGCAGGTGGGGT[GA>TT]TGGTGCTGGCCTCGGCGCTGCTGTGTGTGATTGTGTCTGTTCTGACCAACGTGCTCGTGG-3'
Protein context (NP_001120650.1, residues 502-522): GLSWLAAGGV[Met512Leu]VLASALLCVI